The following is an entry in ClinVar:

ClinVar aggregate classification (germline): Uncertain significance. Review status: criteria provided, multiple submitters, no conflicts (2 of 4 stars). 2 submissions from 2 submitters: Uncertain significance (2). Last evaluated 2022-07-07.

Conditions:
Rolandic epilepsy, impaired intellectual development, and speech dyspraxia, X-linked. Also called: Rolandic epilepsy, impaired intellectual development, and speech dyspraxia; Rolandic epilepsy, intellectual disability, and speech dyspraxia, X-linked. Identifiers: MedGen C1845070, MONDO:0010388, OMIM 300643.

Allele frequency attached by ClinVar (database versions not stated): gnomAD exomes 0.00001; TOPMed 0.00001; gnomAD 0.00002; ExAC 0.00003.
gnomAD v4.1: 13 of 1,208,522 alleles (0.0011%); highest among the groups gnomAD compares: Admixed American, 0.0022%; no homozygotes.

Submissions (2):

Ambry Genetics
Classification: Uncertain significance. Last evaluated: 2022-07-07. Review status: criteria provided, single submitter. Criteria: Ambry Variant Classification Scheme 2023. Collection method: clinical testing. Allele origin: germline.

Labcorp Genetics (formerly Invitae), Labcorp
Classification: Uncertain significance for Rolandic epilepsy, impaired intellectual development, and speech dyspraxia, X-linked. Last evaluated: 2021-08-28. Review status: criteria provided, single submitter. Criteria: Invitae Variant Classification Sherloc (09022015). Collection method: clinical testing. Allele origin: germline.
Comment: This sequence change replaces arginine with cysteine at codon 185 of the SRPX2 protein (p.Arg185Cys). The arginine residue is highly conserved and there is a large physicochemical difference between arginine and cysteine. This variant is present in population databases (rs370080258, ExAC 0.01%). This variant has not been reported in the literature in individuals affected with SRPX2-related conditions. Algorithms developed to predict the effect of missense changes on protein structure and function (SIFT, PolyPhen-2, Align-GVGD) all suggest that this variant is likely to be disruptive. In summary, the available evidence is currently insufficient to determine the role of this variant in disease. Therefore, it has been classified as a Variant of Uncertain Significance.

NM_014467.3(SRPX2):c.553C>T (p.Arg185Cys)

Gene: SRPX2 (sushi repeat containing protein X-linked 2; plus strand). Cytogenetic location: Xq22.1.
Variant type: single nucleotide variant.
Coding change: c.553C>T on transcript NM_014467.3 (MANE Select); coding-DNA position 553, C replaced by T.
Protein change: p.Arg185Cys; replaces arginine 185 with cysteine.
Molecular consequence: missense variant.
Genome position (GRCh38, 1-based): chrX:100,665,263, C>T. VCF-style: chrX-100665263-C-T. GRCh37 (hg19) VCF-style: chrX-99920260-C-T.
Other names: c.553C>T (NM_014467.2); short protein forms R185C.
Identifiers: ClinVar variation 1025666 (VCV001025666.10), dbSNP rs370080258, ClinGen allele CA10469528.